The following is an entry in ClinVar:

ClinVar aggregate classification (germline): Pathogenic (1 of 4 stars; one submission).

Submission:

GeneDx
Classification: Pathogenic. Last evaluated: 2015-03-24. Review status: criteria provided, single submitter. Criteria: GeneDx Variant Classification (06012015). Collection method: clinical testing. Allele origin: germline. Affected: yes.
Comment: The c.46_52delCTGCCCG variant in the ACAD8 gene causes a frameshift starting with codon Leucine 16,changes this amino acid to an Alanine residue and creates a premature Stop codon at position 14 of the newreading frame, denoted p.Leu16AlafsX14. This deletion is predicted to cause loss of normal protein functioneither through protein truncation or nonsense-mediated mRNA decay. Although this deletion has not beenpreviously reported to our knowledge, it is expected to be a pathogenic variant.

NM_014384.3(ACAD8):c.46_52del (p.Leu16fs)

Gene: ACAD8 (acyl-CoA dehydrogenase family member 8; plus strand). Cytogenetic location: 11q25.
Variant type: Deletion.
Coding change: c.46_52del on transcript NM_014384.3 (MANE Select); coding-DNA positions 46 to 52, 7 bases deleted (CTGCCCG; older notation c.46_52delCTGCCCG).
Protein change: p.Leu16fs; shifts the reading frame from leucine 16.
Molecular consequence: frameshift variant.
Genome position (GRCh38, 1-based): chr11:134,253,646-134,253,652, CTGCCCG deleted. VCF-style (leftmost placement, unchanged base first): chr11-134253645-CCTGCCCG-C. GRCh37 (hg19) VCF-style: chr11-134123539-CCTGCCCG-C.
Other names: c.46_52delCTGCCCG (NM_014384.2); short protein forms L16fs.
Identifiers: ClinVar variation 418783 (VCV000418783.2), dbSNP rs1064793430, ClinGen allele CA16619293.